The following is an entry in ClinVar:

ClinVar aggregate classification (germline): Conflicting classifications of pathogenicity. Review status: criteria provided, conflicting classifications (1 of 4 stars). 20 submissions from 20 submitters: Pathogenic (1); Likely pathogenic (6); Uncertain significance (7). 6 of the submissions do not count toward it. Last evaluated 2025-08-27.

Conditions:
MEFV-related disorder. Also called: MEFV-related disorders; MEFV-related condition.
Acute febrile neutrophilic dermatosis (AFND). Also called: Sweet Syndrome; Gomm Button disease. Identifiers: Orphanet 3243, MedGen C0085077, MONDO:0011959, OMIM 608068.
Familial Mediterranean fever (FMF). Also called: POLYSEROSITIS, FAMILIAL PAROXYSMAL; POLYSEROSITIS, RECURRENT; Periodic peritonitis; Benign paroxysmal peritonitis. Identifiers: Orphanet 342, MedGen C0031069, MONDO:0018088, OMIM 249100. Disease mechanism: gain of function.
Familial Mediterranean fever, autosomal dominant. Also called: Dominant Familial Mediterranean Fever; FMF, AUTOSOMAL DOMINANT. Identifiers: Orphanet 342, MedGen C1851347, MONDO:0007601, OMIM 134610.
Autoinflammatory syndrome. Identifiers: Orphanet 93665, MedGen C3890737, MONDO:0019751.

Allele frequency attached by ClinVar (database versions not stated): gnomAD 0.00011 and 0.00013; TOPMed 0.00011; ExAC 0.00014; gnomAD exomes 0.00016; 1000 Genomes Project 0.00020; 1000 Genomes Project 30x 0.00031.

Submissions 1 to 12 of 20:

Natera, Inc.
Classification: Likely pathogenic for Familial Mediterranean fever. Last evaluated: 2025-08-27. Review status: criteria provided, single submitter. Criteria: Natera Variant Classification Schema (03/2026). Collection method: clinical testing. Allele origin: germline.
Comment: The c.800C>T variant in MEFV is a missense variant predicted to cause substitution of threonine to isoleucine at amino acid 267. This variant is rare in the general population with a frequency below the threshold expected for the associated phenotype(s). This variant has been observed in one or more individuals affected with the associated recessive disease, as either homozygous or compound heterozygous with a second variant (PMID: 32608308, 25703702, 22903357, 20485448, 11781702, 17489852). Multiple computational prediction algorithms suggest this variant is unlikely to affect gene or protein function. Given the available evidence, this variant is classified as Likely Pathogenic.

Mayo Clinic Laboratories, Mayo Clinic
Classification: Likely pathogenic. Last evaluated: 2025-06-20. Review status: criteria provided, single submitter. Criteria: ACMG Guidelines, 2015. Collection method: clinical testing. Allele origin: germline. Observed: 1 variant allele.
Comment: BS3_supporting, PM3

GeneDx
Classification: Uncertain significance. Last evaluated: 2025-06-04. Review status: criteria provided, single submitter. Criteria: GeneDx Variant Classification Process June 2021. Collection method: clinical testing. Allele origin: germline.
Comment: Identified in multiple patients in published literature with familial Mediterranean fever who harbored a second MEFV variant, but it is not known whether the variants occurred on the same (in cis) or on different (in trans) chromosomes (PMID: 11781702, 20485448, 26003477, 39042260, 24469716); Observed with a pathogenic variant on the same allele (in cis) in an individual with familial Mediterranean fever in published literature (PMID: 24469716); Published functional studies suggest this variant results in no significant difference in response to low dose steroid catabolites from wildtype protein; however, additional studies are needed to validate the functional effect of this variant in vivo (PMID: 36223753); In silico analysis suggests that this missense variant does not alter protein structure/function; This variant is associated with the following publications: (PMID: 23505238, 20485448, 10737992, 25703702, 28631068, 23588594, 16378925, 17384215, 11175300, 9668175, 26247045, 22975760, 28386255, 28624931, 27051312, 29735907, 20721559, 20645115, 15951859, 26003477, 34426522, 16614989, 33733382, 22903357, 39581688, 29178647, 29314707, 15024744, 39693255, 22190688, 22614345, 21413889, 27457448, 29200027, 30488432, 39228674, 29599418, 24469716, 29260407, 17489852, 11781702, 39033325, 39042260, 35358658, Altunda_2023[Article], 36223753)

First Genomix Gene Laboratory, Genetic Diagnostics Department
Classification: Likely pathogenic for Familial Mediterranean fever. Last evaluated: 2025-03-04. Review status: criteria provided, single submitter. Criteria: ACMG Guidelines, 2015. Collection method: clinical testing. Allele origin: germline. Inheritance: Autosomal recessive inheritance. Affected: no. Observed: 1 variant allele.

Labcorp Genetics (formerly Invitae), Labcorp
Classification: Uncertain significance for Familial Mediterranean fever. Last evaluated: 2025-01-08. Review status: criteria provided, single submitter. Criteria: Invitae Variant Classification Sherloc (09022015). Collection method: clinical testing. Allele origin: germline.
Comment: This sequence change replaces threonine, which is neutral and polar, with isoleucine, which is neutral and non-polar, at codon 267 of the MEFV protein (p.Thr267Ile). This variant is present in population databases (rs104895081, gnomAD 0.03%). This missense change has been observed in individual(s) with familial Mediterranean fever and/or juvenile idiopathic arthritis or other autoinflammatory conditions (PMID: 9668175, 10737992, 16378925, 17489852, 20485448, 21413889, 23505238, 23588594, 24469716, 26003477). ClinVar contains an entry for this variant (Variation ID: 2544). An algorithm developed to predict the effect of missense changes on protein structure and function outputs the following: PolyPhen-2: "Benign". The isoleucine amino acid residue is found in multiple mammalian species, which suggests that this missense change does not adversely affect protein function. Experimental studies are conflicting or provide insufficient evidence to determine the effect of this variant on MEFV function (PMID: 33733382). In summary, the available evidence is currently insufficient to determine the role of this variant in disease. Therefore, it has been classified as a Variant of Uncertain Significance.

Blueprint Genetics
Classification: Uncertain significance. Last evaluated: 2024-11-27. Review status: criteria provided, single submitter. Criteria: ACMG Guidelines, 2015. Collection method: clinical testing. Allele origin: germline.

Laboratory of Medical Genetics, National & Kapodistrian University of Athens
Classification: Likely pathogenic for Familial Mediterranean fever. Last evaluated: 2024-02-01. Review status: criteria provided, single submitter. Criteria: ACMG Guidelines, 2015. Collection method: curation. Allele origin: germline. Affected: no.

Women's Health and Genetics/Laboratory Corporation of America, LabCorp
Classification: Uncertain significance. Last evaluated: 2024-01-12. Review status: criteria provided, single submitter. Criteria: LabCorp Variant Classification Summary - May 2015. Collection method: clinical testing. Allele origin: germline.
Comment: Variant summary: MEFV c.800C>T (p.Thr267Ile) results in a non-conservative amino acid change in the encoded protein sequence. Three of five in-silico tools predict a benign effect of the variant on protein function. The variant allele was found at a frequency of 0.00016 in 251456 control chromosomes (gnomAD). This frequency is not significantly higher than expected for a pathogenic variant in MEFV causing Familial Mediterranean Fever, allowing no conclusion about variant significance. c.800C>T has been reported in the literature in homozygous, compound heterozygous, complex compound heterozygous and heterozygous genotypes, in studies of multiple individuals affected with and/or meeting established clinical criteria of Familial Mediterranean Fever (e.g. Bernot_1998, Ceylan_2012, Cornelius_2010, Dogan_2015, Giaglis_2007, Medlej-Hashim_2000, Moradian_2010). The extent of genotyping reported was variable ranging from targeted analysis to full sequencing of the MEFV gene. At-least one of these reports included a patient in whom two other bonafide pathogenic variants that are well reported as causative of FMF, namely p.Met694Val and p.Val726Ala were identified (Cornelius_2010). In 2012, a group of clinical and molecular experts reached a consensus to test for a total of 14 MEFV variants, including p.Thr267Ile which they described as clearly pathogenic (Shinar_2012). In 2018, the experts international study group for systemic autoinflammatory diseases (INSAID) decided a consensus classification of likely pathogenic for this variant (Van Gijn_2018). One experimental study reported no substantial increase in spontaneous cell death and TcdA/UCN-01-induced cell death enhancement due to the variant in transfected cells (Honda_2021). ClinVar contains an entry for this variant (Variation ID: 2544). Our laboratory classified this variant as 'pathogenic' in 2016 weighting the expert panel opinion (Shinar_2012) and reports of its presence in patients with clinically or suspected diagnosis of FMF. However, the prevailing consensus for this variant when observed in a clinical diagnostic setting seems to have shifted to an uncertain significance. Based on the evidence outlined above, the variant was re-classified as a VUS-possibly pathogenic.

Fulgent Genetics
Classification: Likely pathogenic for Familial Mediterranean fever, autosomal dominant; Familial Mediterranean fever; Acute febrile neutrophilic dermatosis. Last evaluated: 2024-01-01. Review status: criteria provided, single submitter. Criteria: ACMG Guidelines, 2015. Collection method: clinical testing. Allele origin: germline.

Baylor Genetics
Classification: Uncertain significance for Familial Mediterranean fever, autosomal dominant. Last evaluated: 2023-06-24. Review status: criteria provided, single submitter. Criteria: ACMG Guidelines, 2015. Collection method: clinical testing. Allele origin: unknown.

Genome Diagnostics Laboratory, The Hospital for Sick Children
Classification: Likely pathogenic for Autoinflammatory syndrome. Last evaluated: 2021-07-02. Review status: criteria provided, single submitter. Criteria: ACMG Guidelines, 2015. Collection method: clinical testing. Allele origin: germline. Affected: yes.

CeGaT Center for Human Genetics Tuebingen
Classification: Uncertain significance. Last evaluated: 2020-11-01. Review status: criteria provided, single submitter. Criteria: CeGaT Center For Human Genetics Tuebingen Variant Classification Criteria Version 2. Collection method: clinical testing. Allele origin: germline. Affected: yes. Observed: 2 variant alleles.

NM_000243.3(MEFV):c.800C>T (p.Thr267Ile)

Gene: MEFV (MEFV innate immunity regulator, pyrin; minus strand). Cytogenetic location: 16p13.3.
Variant type: single nucleotide variant.
Coding change: c.800C>T on transcript NM_000243.3 (MANE Select); coding-DNA position 800, C replaced by T.
Protein change: p.Thr267Ile; replaces threonine 267 with isoleucine.
Molecular consequence: missense variant. On other transcripts: intron variant (1).
Genome position (GRCh38, 1-based): chr16:3,254,268, G>A on the plus strand (C>T on the coding strand, the complement: MEFV is on the minus strand). VCF-style: chr16-3254268-G-A. GRCh37 (hg19) VCF-style: chr16-3304268-G-A.
Other names: c.277+2043C>T (NM_001198536.2); short protein forms T267I.
Identifiers: ClinVar variation 2544 (VCV000002544.76), dbSNP rs104895081, ClinGen allele CA280101.